The following is an entry in ClinVar:

NM_004655.4(AXIN2):c.2406-1G>C

Gene: AXIN2 (axin 2; minus strand). Cytogenetic location: 17q24.1.
Variant type: single nucleotide variant.
Coding change: c.2406-1G>C on transcript NM_004655.4 (MANE Select); the canonical splice acceptor site of the intron before coding-DNA position 2406, G replaced by C.
Molecular consequence: splice acceptor variant.
Genome position (GRCh38, 1-based): chr17:65,530,103, C>G on the plus strand (G>C on the coding strand, the complement: AXIN2 is on the minus strand). VCF-style: chr17-65530103-C-G. GRCh37 (hg19) VCF-style: chr17-63526221-C-G.
Other names: c.2211-1G>C (NM_001363813.1).
Identifiers: ClinVar variation 4843057 (VCV004843057.1).
Genomic context (GRCh38, chr17:65,530,103, plus strand): 5'-CAGATCTCCTCAAACACCGCTCCACAGGCAAACTCATCGCTTGCTTTTTTGAAGTAATAC[C>G]TTAAAAGGAAAACCAAAAAAGCTTCTTGGTAAACTGCATTTTCCACATTGTTGAAAAGAA-3'

ClinVar aggregate classification (germline): Uncertain significance (1 of 4 stars; one submission).

Conditions:
Hereditary cancer-predisposing syndrome. Also called: Neoplastic Syndromes, Hereditary; Tumor predisposition; Hereditary Cancer Syndrome; Hereditary neoplastic syndrome. Identifiers: Orphanet 140162, MedGen C0027672, MeSH D009386, MONDO:0015356.

Submission:

Ambry Genetics
Classification: Uncertain significance for Hereditary cancer-predisposing syndrome. Last evaluated: 2026-01-15. Review status: criteria provided, single submitter. Criteria: Ambry Variant Classification Scheme 2023. Collection method: clinical testing. Allele origin: germline.
Comment: The c.2406-1G>C intronic variant results from a G to C substitution one nucleotide upstream from coding exon 10 of the AXIN2 gene. This alteration occurs at the 3' terminus of the gene, is not expected to trigger nonsense-mediated mRNA decay, and only impacts the last 5.1% of the protein. This variant was reported in individual(s) with features consistent with Oligodontia-cancer predisposition syndrome (Ambry internal data). This nucleotide position is highly conserved in available vertebrate species. In silico splice site analysis predicts that this alteration will weaken the native splice acceptor site and may result in the creation or strengthening of a novel splice acceptor site. RNA studies have demonstrated that this alteration results in a splice defect; the clinical impact of this abnormal splicing is unknown at this time (Ambry internal data). Based on the available evidence, the clinical significance of this variant remains unclear.